The following is an entry in ClinVar:

NM_153209.4(KIF19):c.1632G>C (p.Arg544=)

Gene: KIF19 (kinesin family member 19; plus strand). Cytogenetic location: 17q25.1.
Variant type: single nucleotide variant.
Coding change: c.1632G>C on transcript NM_153209.4 (MANE Select); coding-DNA position 1632, G replaced by C.
Protein change: p.Arg544=; no amino-acid change (arginine 544 retained).
Molecular consequence: synonymous variant.
Genome position (GRCh38, 1-based): chr17:74,351,911, G>C. VCF-style: chr17-74351911-G-C. GRCh37 (hg19) VCF-style: chr17-72348050-G-C.
Identifiers: ClinVar variation 4872779 (VCV004872779.2).
Genomic context (GRCh38, chr17:74,351,911, plus strand): 5'-CCTGCGCCTCCTGCAGCTGGCGCTGGAGCAGCGCTGCCGGGAGCTGCGCGCGCGGGGCCG[G>C]CGCCTGGAGGAGACGCTGCCGCGGCGCATCGGCTCCGAGGAGCAGCGCGAGGTGCTCAGC-3'
Protein context (NP_694941.2, residues 534-554): QRCRELRARG[Arg544=]RLEETLPRRI

ClinVar aggregate classification (germline): Likely benign (1 of 4 stars; one submission).

Submission:

CeGaT Center for Human Genetics Tuebingen
Classification: Likely benign. Last evaluated: 2026-05-01. Review status: criteria provided, single submitter. Criteria: CeGaT Center For Human Genetics Tuebingen Variant Classification Criteria Version 2. Collection method: clinical testing. Allele origin: germline. Affected: yes. Observed: 1 variant allele.
Comment: KIF19: PM2:Supporting, BP4, BP7